The following is an entry in ClinVar:

NM_000444.6(PHEX):c.779T>G (p.Leu260Ter)

Gene: PHEX (phosphate regulating endopeptidase X-linked; plus strand). Cytogenetic location: Xp22.11.
Variant type: single nucleotide variant.
Coding change: c.779T>G on transcript NM_000444.6 (MANE Select); coding-DNA position 779, T replaced by G.
Protein change: p.Leu260Ter; replaces leucine 260 with a stop codon.
Molecular consequence: nonsense.
Genome position (GRCh38, 1-based): chrX:22,094,029, T>G. VCF-style: chrX-22094029-T-G. GRCh37 (hg19) VCF-style: chrX-22112147-T-G.
Other names: c.779T>G, p.Leu260Ter (NM_001282754.2); short protein forms L260*.
Identifiers: ClinVar variation 1069276 (VCV001069276.9), dbSNP rs2147040166, ClinGen allele CA412572355.

ClinVar aggregate classification (germline): Pathogenic (1 of 4 stars; one submission).

Submission:

Labcorp Genetics (formerly Invitae), Labcorp
Classification: Pathogenic. Last evaluated: 2020-06-13. Review status: criteria provided, single submitter. Criteria: Invitae Variant Classification Sherloc (09022015). Collection method: clinical testing. Allele origin: germline.
Comment: For these reasons, this variant has been classified as Pathogenic. This sequence change creates a premature translational stop signal (p.Leu260*) in the PHEX gene. It is expected to result in an absent or disrupted protein product. This variant is not present in population databases (ExAC no frequency). This variant has not been reported in the literature in individuals with PHEX-related conditions. Loss-of-function variants in PHEX are known to be pathogenic (PMID: 9097956, 9106524, 19219621).

Literature cited by the submitters: PubMed 9097956; PubMed 9106524; PubMed 19219621.